The following is an entry in ClinVar:

ClinVar aggregate classification (germline): Uncertain significance. Review status: criteria provided, multiple submitters, no conflicts (2 of 4 stars). 21 submissions from 20 submitters: Uncertain significance (14). 7 of the submissions do not count toward it. Last evaluated 2026-01-19.

Conditions:
Bone osteosarcoma. Also called: Osteosarcoma, somatic. Identifiers: Orphanet 668, MedGen C0585442, MONDO:0002629, OMIM 259500.
Familial prostate cancer. Also called: Hereditary Prostate Cancer. Identifiers: MedGen C2931456, MONDO:0700275, OMIM 176807.
CHEK2-related cancer predisposition (TPDS4). Also called: CHEK2-related cancer susceptibility; TUMOR PREDISPOSITION SYNDROME 4; CANCER PREDISPOSITION SYNDROME, CHEK2-RELATED. Identifiers: Orphanet 524, MedGen C5882668, MONDO:0700271, OMIM 609265.
CHEK2-related disorder.
Familial cancer of breast. Also called: hereditary breast carcinoma; BREAST CANCER, FAMILIAL; Hereditary breast cancer. Identifiers: Orphanet 227535, MedGen C0346153, MONDO:0016419, OMIM 114480. Disease mechanism: loss of function.
Prostate cancer. Also called: Malignant tumor of prostate. Identifiers: Orphanet 1331, MedGen C0376358, MONDO:0008315, HP:0012125.
Breast and/or ovarian cancer. Identifiers: MedGen CN221562.
Hereditary cancer-predisposing syndrome. Also called: Hereditary neoplastic syndrome; Neoplastic Syndromes, Hereditary; Tumor predisposition; Hereditary Cancer Syndrome. Identifiers: Orphanet 140162, MedGen C0027672, MeSH D009386, MONDO:0015356.

Allele frequency attached by ClinVar (database versions not stated): TOPMed 0.00001; ExAC 0.00002; gnomAD 0.00002; gnomAD exomes 0.00002.
gnomAD v4.1: 29 of 1,613,830 alleles (0.0018%); highest among the groups gnomAD compares: East Asian, 0.0045%; no homozygotes.

Submissions 1 to 9 of 21:

Labcorp Genetics (formerly Invitae), Labcorp
Classification: Uncertain significance for Familial cancer of breast. Last evaluated: 2026-01-19. Review status: criteria provided, single submitter. Criteria: Invitae Variant Classification Sherloc (09022015). Collection method: clinical testing. Allele origin: germline.
Comment: This sequence change replaces tyrosine, which is neutral and polar, with cysteine, which is neutral and slightly polar, at codon 327 of the CHEK2 protein (p.Tyr327Cys). This variant is present in population databases (rs587780194, gnomAD 0.003%). This missense change has been observed in individual(s) with prostate cancer or breast cancer (PMID: 12533788, 31050813, 34326862). ClinVar contains an entry for this variant (Variation ID: 128092). An algorithm developed to predict the effect of missense changes on protein structure and function (PolyPhen-2) suggests that this variant is likely to be disruptive. Experimental studies are conflicting or provide insufficient evidence to determine the effect of this variant on CHEK2 function (PMID: 30851065, 31050813, 37449874). In summary, the available evidence is currently insufficient to determine the role of this variant in disease. Therefore, it has been classified as a Variant of Uncertain Significance.

Hema, HEMA – Genetic and Molecular Diagnostic Laboratory
Classification: Uncertain significance for CHEK2-related cancer predisposition. Last evaluated: 2025-12-12. Review status: criteria provided, single submitter. Criteria: HEMA Variant Classification Assertion Criteria. Collection method: clinical testing. Allele origin: germline.
Comment: The c.980A>G p.(Tyr327Cys) variant is a transition from adenine to guanine, resulting in the substitution of tyrosine 327 with cysteine in the CHEK2 protein. PS3_Supporting: Functional studies showed that the variant affects the protein function (PMID: 31050813). PM2_Supporting: Present at very low frequency in the gnomAD v4.1.0 database. PP3: The computational meta-predictor REVEL score = 0.684 ≥ 0.644, indicating that the variant would affect the function of the CHEK2 protein.

Ambry Genetics
Classification: Uncertain significance for Hereditary cancer-predisposing syndrome. Last evaluated: 2025-01-03. Review status: criteria provided, single submitter. Criteria: Ambry Variant Classification Scheme 2023. Collection method: clinical testing. Allele origin: germline.
Comment: The p.Y327C variant (also known as c.980A>G), located in coding exon 8 of the CHEK2 gene, results from an A to G substitution at nucleotide position 980. The tyrosine at codon 327 is replaced by cysteine, an amino acid with highly dissimilar properties. This alteration has been identified in individuals diagnosed with prostate cancer (Dong X et al. Am. J. Hum. Genet. 2003 Feb;72:270-80; Matejcic M et al. JCO Precis Oncol, 2020 Jan;4:32-43). This alteration was also detected in 3/5589 German BRCA1/2-negative probands diagnosed with breast cancer (Hauke J et al. Cancer Med, 2018 Apr;7:1349-1358). This variant was also observed in 1/3251 individuals who met eligibility criteria for hereditary breast and ovarian cancer syndrome (Lerner-Ellis J et al. J Cancer Res Clin Oncol, 2021 Mar;147:871-879). Results from functional analyses of this variant are conflicting (Delimitsou A et al. Hum Mutat. 2019 May;40(5):631-648; Kleiblova P et al. Int J Cancer. 2019 Oct 1;145(7):1782-1797; Stolarova L et al. Clin Cancer Res, 2023 Aug;29:3037-3050). This amino acid position is highly conserved in available vertebrate species. In addition, this alteration is predicted to be deleterious by in silico analysis. Based on the available evidence, the clinical significance of this variant remains unclear.

Mayo Clinic Laboratories, Mayo Clinic
Classification: Uncertain significance. Last evaluated: 2024-07-09. Review status: criteria provided, single submitter. Criteria: ACMG Guidelines, 2015. Collection method: clinical testing. Allele origin: germline. Observed: 1 variant allele.
Comment: PM2

GeneDx
Classification: Uncertain significance. Last evaluated: 2024-02-28. Review status: criteria provided, single submitter. Criteria: GeneDx Variant Classification Process June 2021. Collection method: clinical testing. Allele origin: germline. Affected: yes.
Comment: In silico analysis supports that this missense variant has a deleterious effect on protein structure/function; Not observed at significant frequency in large population cohorts (gnomAD); Observed in individuals with breast, bilateral breast, or prostate cancer, but also in unaffected controls (PMID: 34326862, 32832836, 29522266, 12533788, 30287823, 31409080, 33471991); Published functional studies are conflicting: reduced kinase activity, but DNA damage response and cell growth comparable to wild type (PMID: 30851065, 31050813); This variant is associated with the following publications: (PMID: 28201779, 12533788, 30287823, 30851065, 31050813, 32295079, 33471991, 19782031, 22419737, 32885271, 34326862, 32832836, 29522266, 31409080, 36243179)

Fulgent Genetics
Classification: Uncertain significance for Familial prostate cancer; Bone osteosarcoma; CHEK2-related cancer predisposition. Last evaluated: 2024-01-26. Review status: criteria provided, single submitter. Criteria: ACMG Guidelines, 2015. Collection method: clinical testing. Allele origin: germline.

Color Diagnostics, LLC DBA Color Health
Classification: Uncertain significance for Hereditary cancer-predisposing syndrome. Last evaluated: 2023-08-01. Review status: criteria provided, single submitter. Criteria: ACMG Guidelines, 2015. Collection method: clinical testing. Allele origin: germline.
Comment: This missense variant replaces tyrosine with cysteine at codon 327 of the CHEK2 protein. Computational prediction is inconclusive regarding the impact of this variant on protein structure and function (internally defined REVEL score threshold 0.5 < inconclusive < 0.7, PMID: 27666373). Functional impact of this variant on CHEK2 function is not clear, as one study in yeast has shown a neutral effect (PMID: 30851065), while another study in human cells reported a damaging effect (PMID: 31050813). This variant has been reported in an individual affected with breast cancer (PMID: 31050813) and in an individual affected with prostate cancer (PMID: 12533788). In a large case-control study, this variant has been observed in 5/60461 individuals affected with breast cancer and 5/53456 controls (OR=0.884, 95%CI 0.256 to 3.054; PMID: 33471991). This variant has been identified in 4/251474 chromosomes in the general population by the Genome Aggregation Database (gnomAD). The available evidence is insufficient to determine the role of this variant in disease conclusively. Therefore, this variant is classified as a Variant of Uncertain Significance.

KCCC/NGS Laboratory, Kuwait Cancer Control Center
Classification: Uncertain significance for Familial cancer of breast. Last evaluated: 2023-07-07. Review status: criteria provided, single submitter. Criteria: ACMG Guidelines, 2015. Collection method: clinical testing. Allele origin: unknown. Affected: yes.
Comment: This sequence change replaces tyrosine with cysteine at codon 327 of the CHEK2 protein (p.Tyr327Cys). The tyrosine residue is highly conserved and there is a large physicochemical difference between tyrosine and cysteine. This variant is present in population databases (rs587780194, ExAC 0.006%). This variant has been observed in individuals affected with prostate cancer or breast cancer (PMID: 12533788, 31050813). ClinVar contains an entry for this variant (Variation ID: 128092) with 10 submitters all described it as of uncertain significance, two stars, no conflicts. In-silico predictions show pathogenic computational verdict based on 9 pathogenic predictions from BayesDel_addAF, DANN, EIGEN, FATHMM-MKL, LIST-S2, M-CAP, MutationTaster, PrimateAI and SIFT vs 3 benign predictions from DEOGEN2, MVP and MutationAssessor.. The clinical significance of these results is unknown. Therefore, it has been classified as a Variant of Uncertain

Blueprint Genetics
Classification: Uncertain significance. Last evaluated: 2023-05-17. Review status: criteria provided, single submitter. Criteria: ACMG Guidelines, 2015. Collection method: clinical testing. Allele origin: germline.

NM_007194.4(CHEK2):c.980A>G (p.Tyr327Cys)

Gene: CHEK2 (checkpoint kinase 2; minus strand). Cytogenetic location: 22q12.1.
Variant type: single nucleotide variant.
Coding change: c.980A>G on transcript NM_007194.4 (MANE Select); coding-DNA position 980, A replaced by G.
Protein change: p.Tyr327Cys; replaces tyrosine 327 with cysteine.
Molecular consequence: missense variant.
Genome position (GRCh38, 1-based): chr22:28,699,866, T>C on the plus strand (A>G on the coding strand, the complement: CHEK2 is on the minus strand). VCF-style: chr22-28699866-T-C. GRCh37 (hg19) VCF-style: chr22-29095854-T-C.
Other names: p.Y327C:TAT>TGT; c.1109A>G, p.Tyr370Cys (NM_001005735.3); c.317A>G, p.Tyr106Cys (NM_001257387.3); c.779A>G, p.Tyr260Cys (NM_001349956.3); c.980A>G, p.Tyr327Cys (NM_145862.3); short protein forms Y327C, Y106C, Y260C, Y370C.
Identifiers: ClinVar variation 128092 (VCV000128092.48), dbSNP rs587780194, ClinGen allele CA288337.